The following is an entry in ClinVar:

ClinVar aggregate classification (germline): Uncertain significance (1 of 4 stars; one submission).

Conditions:
Fanconi anemia (FA). Also called: Fanconi's anemia. Identifiers: Orphanet 84, MedGen C0015625, MeSH D005199, MONDO:0019391.

Allele frequency attached by ClinVar (database versions not stated): ExAC 0.00001; gnomAD exomes 0.00001.
gnomAD v4.1: 15 of 1,613,956 alleles (0.00093%); highest among the groups gnomAD compares: Non-Finnish European, 0.0013%; no homozygotes.

Submission:

Labcorp Genetics (formerly Invitae), Labcorp
Classification: Uncertain significance for Fanconi anemia. Last evaluated: 2023-08-18. Review status: criteria provided, single submitter. Criteria: Invitae Variant Classification Sherloc (09022015). Collection method: clinical testing. Allele origin: germline.
Comment: In summary, the available evidence is currently insufficient to determine the role of this variant in disease. Therefore, it has been classified as a Variant of Uncertain Significance. Algorithms developed to predict the effect of missense changes on protein structure and function output the following: SIFT: "Not Available"; PolyPhen-2: "Benign"; Align-GVGD: "Not Available". The leucine amino acid residue is found in multiple mammalian species, which suggests that this missense change does not adversely affect protein function. This variant has not been reported in the literature in individuals affected with FANCM-related conditions. This variant is present in population databases (rs772658729, gnomAD 0.0009%). This sequence change replaces phenylalanine, which is neutral and non-polar, with leucine, which is neutral and non-polar, at codon 1022 of the FANCM protein (p.Phe1022Leu).

NM_020937.4(FANCM):c.3064T>C (p.Phe1022Leu)

Gene: FANCM (FA complementation group M; plus strand). Cytogenetic location: 14q21.2.
Variant type: single nucleotide variant.
Coding change: c.3064T>C on transcript NM_020937.4 (MANE Select); coding-DNA position 3064, T replaced by C.
Protein change: p.Phe1022Leu; replaces phenylalanine 1022 with leucine.
Molecular consequence: missense variant.
Genome position (GRCh38, 1-based): chr14:45,175,818, T>C. VCF-style: chr14-45175818-T-C. GRCh37 (hg19) VCF-style: chr14-45645021-T-C.
Other names: c.2986T>C, p.Phe996Leu (NM_001308133.2); short protein forms F1022L, F996L.
Identifiers: ClinVar variation 2723265 (VCV002723265.3), dbSNP rs772658729, ClinGen allele CA7169459.